The following is an entry in ClinVar:

ClinVar aggregate classification (germline): Uncertain significance. Review status: criteria provided, multiple submitters, no conflicts (2 of 4 stars). 2 submissions from 2 submitters: Uncertain significance (2). Last evaluated 2024-08-20.

gnomAD v4.1: 6 of 1,613,984 alleles (0.00037%); highest among the groups gnomAD compares: South Asian, 0.0011%; no homozygotes.

Submissions (2):

Ambry Genetics
Classification: Uncertain significance. Last evaluated: 2024-08-20. Review status: criteria provided, single submitter. Criteria: Ambry Variant Classification Scheme 2023. Collection method: clinical testing. Allele origin: germline.

GeneDx
Classification: Uncertain significance. Last evaluated: 2023-06-05. Review status: criteria provided, single submitter. Criteria: GeneDx Variant Classification Process June 2021. Collection method: clinical testing. Allele origin: germline. Affected: yes.
Comment: In silico analysis supports that this missense variant has a deleterious effect on protein structure/function; Has not been previously published as pathogenic or benign to our knowledge; Variants in candidate genes are classified as variants of uncertain significance in accordance with ACMG guidelines (Richards et al., 2015)

NM_024721.5(ZFHX4):c.4889G>T (p.Gly1630Val)

Gene: ZFHX4 (zinc finger homeobox 4; plus strand). Cytogenetic location: 8q21.13.
Variant type: single nucleotide variant.
Coding change: c.4889G>T on transcript NM_024721.5 (MANE Select); coding-DNA position 4889, G replaced by T.
Protein change: p.Gly1630Val; replaces glycine 1630 with valine.
Molecular consequence: missense variant.
Genome position (GRCh38, 1-based): chr8:76,851,810, G>T. VCF-style: chr8-76851810-G-T. GRCh37 (hg19) VCF-style: chr8-77764046-G-T.
Other names: c.4811G>T, p.Gly1604Val (NM_001410934.1); short protein forms G1630V, G1604V.
Identifiers: ClinVar variation 3473243 (VCV003473243.2).